The following is an entry in ClinVar:

NM_001377458.1(CLCC1):c.1199A>T (p.Tyr400Phe)

Gene: CLCC1 (chloride channel CLIC like 1; minus strand). Cytogenetic location: 1p13.3.
Variant type: single nucleotide variant.
Coding change: c.1199A>T on transcript NM_001377458.1 (MANE Select); coding-DNA position 1199, A replaced by T.
Protein change: p.Tyr400Phe; replaces tyrosine 400 with phenylalanine.
Molecular consequence: missense variant. On other transcripts: non-coding transcript variant (1).
Genome position (GRCh38, 1-based): chr1:108,937,261, T>A on the plus strand (A>T on the coding strand, the complement: CLCC1 is on the minus strand). VCF-style: chr1-108937261-T-A. GRCh37 (hg19) VCF-style: chr1-109479883-T-A.
Other names: c.1199A>T, p.Tyr400Phe (NM_001048210.3, NM_001377459.1, NM_001377460.1 and 8 more transcripts); c.836A>T, p.Tyr279Phe (NM_001278202.2); c.644A>T, p.Tyr215Phe (NM_001278203.1); c.1097A>T, p.Tyr366Phe (NM_001377469.1); c.908A>T, p.Tyr303Phe (NM_001377470.1); c.1049A>T, p.Tyr350Phe (NM_015127.5); short protein forms Y279F, Y400F, Y366F, Y303F, Y215F, Y350F.
Identifiers: ClinVar variation 1902958 (VCV001902958.5), dbSNP rs2524113444, ClinGen allele CA341457764.
Genomic context (GRCh38, chr1:108,937,261, plus strand): 5'-CTTCTACCCTCATACGTTTTGGCATAAGGGCCTTGCTCAGTGGGGCCCATTTGGCCCCTA[T>A]AATGGAAATCGGCATCACCTGCTCCACCATCAGGTCTATAATCAATTTCCTCCTGCCGTC-3'
Protein context (NP_001364387.1, residues 390-410): DGGAGDADFH[Tyr400Phe]RGQMGPTEQG

ClinVar aggregate classification (germline): Uncertain significance (1 of 4 stars; one submission).

Submission:

Labcorp Genetics (formerly Invitae), Labcorp
Classification: Uncertain significance. Last evaluated: 2022-04-19. Review status: criteria provided, single submitter. Criteria: Invitae Variant Classification Sherloc (09022015). Collection method: clinical testing. Allele origin: germline.
Comment: This sequence change replaces tyrosine, which is neutral and polar, with phenylalanine, which is neutral and non-polar, at codon 400 of the CLCC1 protein (p.Tyr400Phe). In summary, the available evidence is currently insufficient to determine the role of this variant in disease. Therefore, it has been classified as a Variant of Uncertain Significance. Algorithms developed to predict the effect of missense changes on protein structure and function are either unavailable or do not agree on the potential impact of this missense change (SIFT: "Deleterious"; PolyPhen-2: "Possibly Damaging"; Align-GVGD: "Class C0"). This variant has not been reported in the literature in individuals affected with CLCC1-related conditions. This variant is not present in population databases (gnomAD no frequency).